The following is an entry in ClinVar:

ClinVar aggregate classification (germline): Uncertain significance (1 of 4 stars; one submission).

Submission:

Women's Health and Genetics/Laboratory Corporation of America, LabCorp
Classification: Uncertain significance. Last evaluated: 2024-09-27. Review status: criteria provided, single submitter. Criteria: LabCorp Variant Classification Summary - May 2015. Collection method: clinical testing. Allele origin: germline.
Comment: Variant summary: PDHA1 c.960_1008+33dup82 results in a large duplication overlapping a splice site, at the boundary of the penultimate exon (exon 10), and the last intron (intron 10) in the PDHA1 gene. Several computational tools predict a significant impact on normal splicing: four predict the variant creates a 5' donor site (79 nucleotides downstream from the original site, which if utilized for splicing, would result in a frameshift at the protein level). However, these predictions have yet to be confirmed by functional studies. The variant was absent in 183428 control chromosomes. The available data on variant occurrences in the general population are insufficient to allow any conclusion about variant significance. To our knowledge, no occurrence of c.960_1008+33dup82 in individuals affected with Leigh Syndrome and no experimental evidence demonstrating its impact on protein function have been reported. No submitters have cited clinical-significance assessments for this variant to ClinVar. Based on the evidence outlined above, the variant was classified as uncertain significance.

NM_000284.4(PDHA1):c.960_1008+33dup

Gene: PDHA1 (pyruvate dehydrogenase E1 subunit alpha 1; plus strand). Cytogenetic location: Xp22.12.
Variant type: Duplication.
Coding change: c.960_1008+33dup on transcript NM_000284.4 (MANE Select); coding-DNA position 960 through 33 bases into the intron after coding-DNA position 1008, 82 bases duplicated.
Molecular consequence: splice donor variant.
Genome position (GRCh38, 1-based): chrX:19,358,976-19,359,057, 82 bases duplicated. GRCh37 (hg19): chrX:19,377,094-19,377,175.
Other names: c.1074_1122+33dup (NM_001173454.2); c.981_1029+33dup (NM_001173455.2); c.867_915+33dup (NM_001173456.2).
Identifiers: ClinVar variation 3375156 (VCV003375156.1).